The following is an entry in ClinVar:

NM_001854.4(COL11A1):c.3790G>C (p.Gly1264Arg)

Gene: COL11A1 (collagen type XI alpha 1 chain; minus strand). Cytogenetic location: 1p21.1.
Variant type: single nucleotide variant.
Coding change: c.3790G>C on transcript NM_001854.4 (MANE Select); coding-DNA position 3790, G replaced by C.
Protein change: p.Gly1264Arg; replaces glycine 1264 with arginine.
Molecular consequence: missense variant. On other transcripts: non-coding transcript variant (1).
Genome position (GRCh38, 1-based): chr1:102,915,657, C>G on the plus strand (G>C on the coding strand, the complement: COL11A1 is on the minus strand). VCF-style: chr1-102915657-C-G. GRCh37 (hg19) VCF-style: chr1-103381213-C-G.
Other names: c.3673G>C, p.Gly1225Arg (NM_001190709.2); c.3826G>C, p.Gly1276Arg (NM_080629.3); c.3442G>C, p.Gly1148Arg (NM_080630.4); short protein forms G1148R, G1264R, G1276R, G1225R.
Identifiers: ClinVar variation 3730619 (VCV003730619.2).

ClinVar aggregate classification (germline): Uncertain significance (1 of 4 stars; one submission).

Submission:

Labcorp Genetics (formerly Invitae), Labcorp
Classification: Uncertain significance. Last evaluated: 2025-01-01. Review status: criteria provided, single submitter. Criteria: Invitae Variant Classification Sherloc (09022015). Collection method: clinical testing. Allele origin: germline.
Comment: This sequence change replaces glycine, which is neutral and non-polar, with arginine, which is basic and polar, at codon 1264 of the COL11A1 protein (p.Gly1264Arg). This variant is not present in population databases (gnomAD no frequency). This variant has not been reported in the literature in individuals affected with COL11A1-related conditions. Invitae Evidence Modeling of protein sequence and biophysical properties (such as structural, functional, and spatial information, amino acid conservation, physicochemical variation, residue mobility, and thermodynamic stability) indicates that this missense variant is expected to disrupt COL11A1 protein function with a positive predictive value of 80%. In summary, the available evidence is currently insufficient to determine the role of this variant in disease. Therefore, it has been classified as a Variant of Uncertain Significance.